The following is an entry in ClinVar:

NM_018723.4(RBFOX1):c.469-8G>A

Gene: RBFOX1 (RNA binding fox-1 homolog 1; plus strand). Cytogenetic location: 16p13.3.
Variant type: single nucleotide variant.
Coding change: c.469-8G>A on transcript NM_018723.4 (MANE Select); 8 bases into the intron before coding-DNA position 469, G replaced by A.
Molecular consequence: intron variant.
Genome position (GRCh38, 1-based): chr16:7,595,541, G>A. VCF-style: chr16-7595541-G-A. GRCh37 (hg19) VCF-style: chr16-7645543-G-A.
Other names: c.469-8G>A (NM_001364800.2, NM_001142333.2, NM_001142334.2); c.598-8G>A (NM_001308117.1); c.529-8G>A (NM_145893.3, NM_145891.3, NM_145892.3 and 1 more transcripts).
Identifiers: ClinVar variation 1537217 (VCV001537217.10), dbSNP rs763792559, ClinGen allele CA277397605.

ClinVar aggregate classification (germline): Likely benign. Review status: criteria provided, single submitter (1 of 4 stars). 2 submissions from 2 submitters: Likely benign (1). 1 of the submissions does not count toward it. Last evaluated 2021-02-22.

Conditions:
RBFOX1-related disorder. Also called: RBFOX1-related condition.
Idiopathic generalized epilepsy. Also called: EIG; Generalised epilepsy. Identifiers: MedGen C0270850, MONDO:0005579, OMIM 600669.

Allele frequency attached by ClinVar (database versions not stated): gnomAD exomes 0.00001.
gnomAD v4.1: 11 of 1,541,168 alleles (0.00071%); highest among the groups gnomAD compares: Non-Finnish European, 0.00097%; no homozygotes.

Submissions (2):

Labcorp Genetics (formerly Invitae), Labcorp
Classification: Likely benign for Idiopathic generalized epilepsy. Last evaluated: 2021-02-22. Review status: criteria provided, single submitter. Criteria: Invitae Variant Classification Sherloc (09022015). Collection method: clinical testing. Allele origin: germline.

PreventionGenetics, part of Exact Sciences
Classification: Likely benign for RBFOX1-related condition. Last evaluated: 2019-06-17. Review status: no assertion criteria provided. Collection method: clinical testing. Allele origin: germline. Not counted in ClinVar's aggregate classification.
Comment: This variant is classified as likely benign based on ACMG/AMP sequence variant interpretation guidelines (Richards et al. 2015 PMID: 25741868, with internal and published modifications).